The following is an entry in ClinVar:

ClinVar aggregate classification (germline): Uncertain significance. Review status: criteria provided, multiple submitters, no conflicts (2 of 4 stars). 2 submissions from 2 submitters: Uncertain significance (2). Last evaluated 2026-03-25.

Conditions:
POLD1-related polyposis and colorectal cancer syndrome (CRCS10). Also called: Colorectal cancer 10; COLORECTAL CANCER, SUSCEPTIBILITY TO, ON CHROMOSOME 19q; Colorectal cancer, susceptibility to, 10. Identifiers: Orphanet 220460, MedGen C2675481, MONDO:0012953, OMIM 612591.
Hereditary cancer-predisposing syndrome. Also called: Tumor predisposition; Hereditary Cancer Syndrome; Hereditary neoplastic syndrome; Neoplastic Syndromes, Hereditary. Identifiers: Orphanet 140162, MedGen C0027672, MeSH D009386, MONDO:0015356.

Allele frequency attached by ClinVar (database versions not stated): gnomAD exomes below 0.00001; ExAC 0.00001.

Submissions (2):

Ambry Genetics
Classification: Uncertain significance for Hereditary cancer-predisposing syndrome. Last evaluated: 2026-03-25. Review status: criteria provided, single submitter. Criteria: Ambry Variant Classification Scheme 2023. Collection method: clinical testing. Allele origin: germline.
Comment: The c.531delC variant, located in coding exon 4 of the POLD1 gene, results from a deletion of one nucleotide at nucleotide position 531, causing a translational frameshift with a predicted alternate stop codon (p.R180Gfs*3). The evidence for this gene-disease relationship is limited; therefore, the clinical significance of this variant is unclear.

Labcorp Genetics (formerly Invitae), Labcorp
Classification: Uncertain significance for POLD1-related polyposis and colorectal cancer syndrome. Last evaluated: 2023-08-29. Review status: criteria provided, single submitter. Criteria: Invitae Variant Classification Sherloc (09022015). Collection method: clinical testing. Allele origin: germline.
Comment: This sequence change creates a premature translational stop signal (p.Arg180Glyfs*3) in the POLD1 gene. Missense variants that disrupt the 3'-5' exonuclease (proof-reading) activity of the POLD1 protein are associated with PPAP (polymerase proofreading–associated polyposis) (PMID: 23263490, 23447401). However, loss-of-function variants that result in an absent or severely disrupted POLD1 protein, and missense variants outside the exonuclease domain, are unlikely to be associated with PPAP. This variant is present in population databases (rs758623751, gnomAD 0.0009%). This variant has not been reported in the literature in individuals affected with POLD1-related conditions. ClinVar contains an entry for this variant (Variation ID: 1976965). In summary, the available evidence is currently insufficient to determine the role of this variant in disease. Therefore, it has been classified as a Variant of Uncertain Significance.

Literature cited by the submitters: PubMed 23263490 (cited by Labcorp Genetics (formerly Invitae), Labcorp); PubMed 23447401 (cited by Labcorp Genetics (formerly Invitae), Labcorp).

NM_002691.4(POLD1):c.531del (p.Arg180fs)

Gene: POLD1 (DNA polymerase delta 1, catalytic subunit; plus strand). Cytogenetic location: 19q13.33.
Variant type: Deletion.
Coding change: c.531del on transcript NM_002691.4 (MANE Select); coding-DNA position 531, one base deleted (C; older notation c.531delC).
Protein change: p.Arg180fs; shifts the reading frame from arginine 180.
Molecular consequence: frameshift variant. On other transcripts: non-coding transcript variant (1).
Genome position (GRCh38, 1-based): chr19:50,402,066, C deleted. VCF-style (leftmost placement, unchanged base first): chr19-50402065-GC-G. GRCh37 (hg19) VCF-style: chr19-50905322-GC-G.
Other names: c.531delC (NM_002691.2); c.531del, p.Arg180fs (NM_001256849.1, NM_001308632.1); short protein forms R180fs.
Identifiers: ClinVar variation 1976965 (VCV001976965.6), dbSNP rs758623751, ClinGen allele CA9595777.